The following is an entry in ClinVar:

ClinVar aggregate classification (germline): Uncertain significance (1 of 4 stars; one submission).

Conditions:
Inborn genetic diseases. Identifiers: MedGen C0950123, MeSH D030342.

Submission:

Ambry Genetics
Classification: Uncertain significance for Inborn genetic diseases. Last evaluated: 2026-07-26. Review status: criteria provided, single submitter. Criteria: Ambry Variant Classification Scheme 2023. Collection method: clinical testing. Allele origin: germline.
Comment: The p.L509M variant (also known as c.1525C>A), located in coding exon 12 of the FANCG gene, results from a C to A substitution at nucleotide position 1525. The leucine at codon 509 is replaced by methionine, an amino acid with highly similar properties. This amino acid position is conserved. In addition, this alteration is predicted to be tolerated by in silico analysis. Based on the available evidence, the clinical significance of this variant remains unclear.

NM_004629.2(FANCG):c.1525C>A (p.Leu509Met)

Gene: FANCG (FA complementation group G; minus strand). Cytogenetic location: 9p13.3.
Variant type: single nucleotide variant.
Coding change: c.1525C>A on transcript NM_004629.2 (MANE Select); coding-DNA position 1525, C replaced by A.
Protein change: p.Leu509Met; replaces leucine 509 with methionine.
Molecular consequence: missense variant.
Genome position (GRCh38, 1-based): chr9:35,075,038, G>T on the plus strand (C>A on the coding strand, the complement: FANCG is on the minus strand). VCF-style: chr9-35075038-G-T. GRCh37 (hg19) VCF-style: chr9-35075035-G-T.
Other names: short protein forms L509M.
Identifiers: ClinVar variation 5036517 (VCV005036517.1).